The following is an entry in ClinVar:

ClinVar aggregate classification (germline): Uncertain significance (1 of 4 stars; one submission).

Submission:

Laboratory for Molecular Medicine, Mass General Brigham Personalized Medicine
Classification: Uncertain significance. Last evaluated: 2016-07-21. Review status: criteria provided, single submitter. Criteria: LMM Criteria. Collection method: clinical testing. Allele origin: germline. Observed: 1 variant allele.
Comment: The p.Leu52Gln variant in TRDN has not been previously reported in individuals w ith cardiomyopathy or in large population studies. Computational prediction tool s and conservation analysis suggest that this variant may impact the protein, th ough this information is not predictive enough to determine pathogenicity. In su mmary, the clinical significance of the p.Leu52Gln variant is uncertain.

NM_006073.4(TRDN):c.155T>A (p.Leu52Gln)

Gene: TRDN (triadin; minus strand). Cytogenetic location: 6q22.31.
Variant type: single nucleotide variant.
Coding change: c.155T>A on transcript NM_006073.4 (MANE Select); coding-DNA position 155, T replaced by A.
Protein change: p.Leu52Gln; replaces leucine 52 with glutamine.
Molecular consequence: missense variant.
Genome position (GRCh38, 1-based): chr6:123,571,000, A>T on the plus strand (T>A on the coding strand, the complement: TRDN is on the minus strand). VCF-style: chr6-123571000-A-T. GRCh37 (hg19) VCF-style: chr6-123892145-A-T.
Other names: c.155T>A, p.Leu52Gln (NM_001251987.2, NM_001256020.2, NM_001256021.2 and 1 more transcripts); short protein forms L52Q.
Identifiers: ClinVar variation 505241 (VCV000505241.5), dbSNP rs1554258798, ClinGen allele CA365569176.